The following is an entry in ClinVar:

NM_017534.6(MYH2):c.2672dup (p.Asn891fs)

Genes: MYHAS (myosin heavy chain gene cluster antisense RNA; plus strand), MYH2 (myosin heavy chain 2; minus strand). Cytogenetic location: 17p13.1.
Variant type: Duplication.
Coding change: c.2672dup on transcript NM_017534.6 (MANE Select); coding-DNA position 2672, one base duplicated (A; older notation c.2672dupA).
Protein change: p.Asn891fs; shifts the reading frame from asparagine 891.
Molecular consequence: frameshift variant.
Genome position (GRCh38, 1-based): chr17:10,531,658, T duplicated on the plus strand (A on the coding strand, the reverse complement: MYH2 is on the minus strand); the first of 7 consecutive T bases (chr17:10,531,658-10,531,664); duplicating any one gives the same sequence. VCF-style (leftmost placement, unchanged base first): chr17-10531657-A-AT. GRCh37 (hg19) VCF-style: chr17-10434974-A-AT.
Other names: c.2672dupA (NM_017534.5); c.2672dup, p.Asn891fs (NM_001100112.2); short protein forms N891fs.
Identifiers: ClinVar variation 582112 (VCV000582112.6), dbSNP rs763860580, ClinGen allele CA8391085.
Genomic context (GRCh38, chr17:10,531,657, plus strand): 5'-CTGGTTAGTGATACCAAGGGTGATATTCCAACTCACAGCCTGAACTTGGAGCTGCAAGTC[A>AT]TTTTTTTCTTTCAACAGCGTCACCATCTTTTCTTCCAGTTCCTTCCTTTTTGCCTCTGAC-3'

ClinVar aggregate classification (germline): Pathogenic (1 of 4 stars; one submission).

Conditions:
Myopathy, proximal, and ophthalmoplegia (CMYO6). Also called: CONGENITAL MYOPATHY 6 WITH OPHTHALMOPLEGIA; INCLUSION BODY MYOPATHY 3, AUTOSOMAL DOMINANT; MYOPATHY WITH CONGENITAL JOINT CONTRACTURES, OPHTHALMOPLEGIA, AND RIMMED VACUOLES. Identifiers: Orphanet 363677, Orphanet 79091, MedGen C1854106, MONDO:0011577, OMIM 605637.

Submission:

Labcorp Genetics (formerly Invitae), Labcorp
Classification: Pathogenic for Myopathy, proximal, and ophthalmoplegia. Last evaluated: 2017-11-21. Review status: criteria provided, single submitter. Criteria: Invitae Variant Classification Sherloc (09022015). Collection method: clinical testing. Allele origin: germline.
Comment: This variant has not been reported in the literature in individuals with MYH2-related disease. For these reasons, this variant has been classified as Pathogenic. Loss-of-function variants in MYH2 are known to be pathogenic (PMID: 20418530, 23388406, 24193343). This variant is present in population databases (rs763860580, ExAC 0.001%). This sequence change creates a premature translational stop signal (p.Asn891Lysfs*2) in the MYH2 gene. It is expected to result in an absent or disrupted protein product.

Literature cited by the submitters: PubMed 20418530; PubMed 23388406; PubMed 24193343.